The following is an entry in ClinVar:

NM_001378778.1(MPDZ):c.5341C>A (p.Arg1781Ser)

Gene: MPDZ (multiple PDZ domain crumbs cell polarity complex component; minus strand). Cytogenetic location: 9p23.
Variant type: single nucleotide variant.
Coding change: c.5341C>A on transcript NM_001378778.1 (MANE Select); coding-DNA position 5341, C replaced by A.
Protein change: p.Arg1781Ser; replaces arginine 1781 with serine.
Molecular consequence: missense variant.
Genome position (GRCh38, 1-based): chr9:13,119,540, G>T on the plus strand (C>A on the coding strand, the complement: MPDZ is on the minus strand). VCF-style: chr9-13119540-G-T. GRCh37 (hg19) VCF-style: chr9-13119539-G-T.
Other names: c.5242C>A, p.Arg1748Ser (NM_001261406.2, NM_001261407.2, NM_001375416.1 and 3 more transcripts); c.5341C>A, p.Arg1781Ser (NM_001330637.2, NM_003829.5); c.5440C>A, p.Arg1814Ser (NM_001375413.1); c.5131C>A, p.Arg1711Ser (NM_001375420.1, NM_001375421.1, NM_001375422.1 and 4 more transcripts); c.4933C>A, p.Arg1645Ser (NM_001375427.1); short protein forms R1711S, R1814S, R1645S, R1748S, R1781S.
Identifiers: ClinVar variation 1394240 (VCV001394240.7), dbSNP rs193128302, ClinGen allele CA4986344.

ClinVar aggregate classification (germline): Uncertain significance (1 of 4 stars; one submission).

Allele frequency attached by ClinVar (database versions not stated): 1000 Genomes Project 30x 0.00062; 1000 Genomes Project 0.00040.
gnomAD v4.1: 63 of 1,613,022 alleles (0.0039%); highest among the groups gnomAD compares: East Asian, 0.12%; no homozygotes.

Submission:

Labcorp Genetics (formerly Invitae), Labcorp
Classification: Uncertain significance. Last evaluated: 2023-10-27. Review status: criteria provided, single submitter. Criteria: Invitae Variant Classification Sherloc (09022015). Collection method: clinical testing. Allele origin: germline.
Comment: This sequence change replaces arginine, which is basic and polar, with serine, which is neutral and polar, at codon 1781 of the MPDZ protein (p.Arg1781Ser). This variant is present in population databases (rs193128302, gnomAD 0.1%). This variant has not been reported in the literature in individuals affected with MPDZ-related conditions. ClinVar contains an entry for this variant (Variation ID: 1394240). An algorithm developed to predict the effect of missense changes on protein structure and function (PolyPhen-2) suggests that this variant is likely to be disruptive. In summary, the available evidence is currently insufficient to determine the role of this variant in disease. Therefore, it has been classified as a Variant of Uncertain Significance.